The following is an entry in ClinVar:

ClinVar aggregate classification (germline): Uncertain significance (1 of 4 stars; one submission).

Conditions:
Holoprosencephaly 4 (HPE4). Identifiers: Orphanet 2162, MedGen C1840528, MONDO:0007734, OMIM 142946.

Allele frequency attached by ClinVar (database versions not stated): gnomAD exomes below 0.00001.
gnomAD v4.1: 9 of 1,614,168 alleles (0.00056%); highest among the groups gnomAD compares: Middle Eastern, 0.016%; no homozygotes.

Submission:

Labcorp Genetics (formerly Invitae), Labcorp
Classification: Uncertain significance for Holoprosencephaly 4. Last evaluated: 2022-09-07. Review status: criteria provided, single submitter. Criteria: Invitae Variant Classification Sherloc (09022015). Collection method: clinical testing. Allele origin: germline.
Comment: This variant is not present in population databases (gnomAD no frequency). In summary, the available evidence is currently insufficient to determine the role of this variant in disease. Therefore, it has been classified as a Variant of Uncertain Significance. Algorithms developed to predict the effect of missense changes on protein structure and function output the following: SIFT: "Tolerated"; PolyPhen-2: "Benign"; Align-GVGD: "Class C0". The glycine amino acid residue is found in multiple mammalian species, which suggests that this missense change does not adversely affect protein function. ClinVar contains an entry for this variant (Variation ID: 1397444). This variant has not been reported in the literature in individuals affected with TGIF1-related conditions. This sequence change replaces arginine, which is basic and polar, with glycine, which is neutral and non-polar, at codon 154 of the TGIF1 protein (p.Arg154Gly).

NM_003244.4(TGIF1):c.460A>G (p.Arg154Gly)

Gene: TGIF1 (TGFB induced factor homeobox 1; plus strand). Cytogenetic location: 18p11.31.
Variant type: single nucleotide variant.
Coding change: c.460A>G on transcript NM_003244.4 (MANE Select); coding-DNA position 460, A replaced by G.
Protein change: p.Arg154Gly; replaces arginine 154 with glycine.
Molecular consequence: missense variant.
Genome position (GRCh38, 1-based): chr18:3,457,581, A>G. VCF-style: chr18-3457581-A-G. GRCh37 (hg19) VCF-style: chr18-3457579-A-G.
Other names: c.469A>G, p.Arg157Gly (NM_001278682.2); c.460A>G, p.Arg154Gly (NM_001278684.2, NM_173208.3); c.400A>G, p.Arg134Gly (NM_001278686.3, NM_001374396.1, NM_001374397.1 and 5 more transcripts); c.502A>G, p.Arg168Gly (NM_173207.4); short protein forms R154G, R134G, R157G, R168G.
Identifiers: ClinVar variation 1397444 (VCV001397444.8), dbSNP rs2049399407, ClinGen allele CA401723569.
Genomic context (GRCh38, chr18:3,457,581, plus strand): 5'-CCAGCTCTAGAGGAGACCCCATTTCATTCCTGTACAGCTGGGCCAAACCCAACCCTAGGG[A>G]GGCCACTGTCTCCTAAGCCGTCATCCCCGGGATCAGTTTTGGCTCGTCCATCAGTGATCT-3'
Protein context (NP_003235.1, residues 144-164): CTAGPNPTLG[Arg154Gly]PLSPKPSSPG